The following is an entry in ClinVar:

ClinVar aggregate classification (germline): Likely pathogenic (1 of 4 stars; one submission).

Conditions:
Familial focal epilepsy with variable foci (FPEVF). Identifiers: Orphanet 98820, MedGen C1858477, MONDO:0020310.

Allele frequency attached by ClinVar (database versions not stated): gnomAD exomes below 0.00001.
gnomAD v4.1: 1 of 1,614,200 alleles (0.000062%); highest among the groups gnomAD compares: Non-Finnish European, 0.000085%; no homozygotes.

Submission:

Labcorp Genetics (formerly Invitae), Labcorp
Classification: Likely pathogenic for Familial focal epilepsy with variable foci. Last evaluated: 2022-10-01. Review status: criteria provided, single submitter. Criteria: Invitae Variant Classification Sherloc (09022015). Collection method: clinical testing. Allele origin: germline.
Comment: In summary, the currently available evidence indicates that the variant is pathogenic, but additional data are needed to prove that conclusively. Therefore, this variant has been classified as Likely Pathogenic. Algorithms developed to predict the effect of sequence changes on RNA splicing suggest that this variant may disrupt the consensus splice site. Disruption of this splice site has been observed in individual(s) with focal epilepsy (Invitae). This variant is not present in population databases (gnomAD no frequency). This sequence change affects a donor splice site in intron 2 of the DEPDC5 gene. It is expected to disrupt RNA splicing. Variants that disrupt the donor or acceptor splice site typically lead to a loss of protein function (PMID: 16199547), and loss-of-function variants in DEPDC5 are known to be pathogenic (PMID: 23542697, 23542701).

Literature cited by the submitters: PubMed 16199547; PubMed 23542697; PubMed 23542701.

NM_001242896.3(DEPDC5):c.58+1G>A

Gene: DEPDC5 (DEP domain containing 5, GATOR1 subcomplex subunit; plus strand). Cytogenetic location: 22q12.2.
Variant type: single nucleotide variant.
Coding change: c.58+1G>A on transcript NM_001242896.3 (MANE Select); the canonical splice donor site of the intron after coding-DNA position 58, G replaced by A.
Molecular consequence: splice donor variant.
Genome position (GRCh38, 1-based): chr22:31,754,980, G>A. VCF-style: chr22-31754980-G-A. GRCh37 (hg19) VCF-style: chr22-32150966-G-A.
Other names: c.58+1G>A (NM_001364318.2, NM_001136029.4, NM_014662.6 and 9 more transcripts).
Identifiers: ClinVar variation 2033647 (VCV002033647.4), dbSNP rs2517655700, ClinGen allele CA411278089.